The following is an entry in ClinVar:

ClinVar aggregate classification (germline): Pathogenic (1 of 4 stars; one submission).

Conditions:
Severe intellectual disability-poor language-strabismus-grimacing face-long fingers syndrome (GAND). Also called: GAND SYNDROME. Identifiers: Orphanet 363686, MedGen C3554448, MONDO:0014034, OMIM 615074.

Submission:

Molecular Genetics Laboratory, Motol Hospital
Classification: Pathogenic for Severe intellectual disability-poor language-strabismus-grimacing face-long fingers syndrome. Last evaluated: 2024-11-27. Review status: criteria provided, single submitter. Criteria: ACMG Guidelines, 2015. Collection method: clinical testing. Allele origin: de novo. Affected: yes. Observed: 1 variant allele.
Comment: The variant was confirmed to be of a de novo origin. Rare truncating variants affecting the GATAD2B gene are well documented as a molecular cause of "GAND syndrome" (OMIM:615074) (PMID:28077840;23644463;31205050;31949314). To conclude, the variant is classified as pathogenic (ACMG PVS1, PM2, PS2).

Literature cited by the submitters: PubMed 28077840; PubMed 23644463; PubMed 31205050; PubMed 31949314.

NM_020699.4(GATAD2B):c.653_654dup (p.Gln219fs)

Gene: GATAD2B (GATA zinc finger domain containing 2B; minus strand). Cytogenetic location: 1q21.3.
Variant type: Duplication.
Coding change: c.653_654dup on transcript NM_020699.4 (MANE Select); coding-DNA positions 653 to 654, 2 bases duplicated (GA; older notation c.653_654dupGA).
Protein change: p.Gln219fs; shifts the reading frame from glutamine 219.
Molecular consequence: frameshift variant.
Genome position (GRCh38, 1-based): chr1:153,818,115-153,818,116, TC duplicated on the plus strand (GA on the coding strand, the reverse complement: GATAD2B is on the minus strand). VCF-style (leftmost placement, unchanged base first): chr1-153818114-G-GTC. GRCh37 (hg19) VCF-style: chr1-153790590-G-GTC.
Other names: short protein forms Q219fs.
Identifiers: ClinVar variation 3381764 (VCV003381764.2).
Genomic context (GRCh38, chr1:153,818,114, plus strand): 5'-AATTTTGAGGTTCAACCCCTTGGGCCCCAGGCCGAGAGGGAAGCTTAGATAGGCCCTGCT[G>GTC]TCCCACATGGGCAGGAGATGGCTGAACAATAGATGCTGCATTCTGTACAACTGGAGTCTG-3'